The following is an entry in ClinVar:

NM_138459.5(NUS1):c.68C>T (p.Thr23Ile)

Gene: NUS1 (NUS1 dehydrodolichyl diphosphate synthase subunit; plus strand). Cytogenetic location: 6q22.1.
Variant type: single nucleotide variant.
Coding change: c.68C>T on transcript NM_138459.5 (MANE Select); coding-DNA position 68, C replaced by T.
Protein change: p.Thr23Ile; replaces threonine 23 with isoleucine.
Molecular consequence: missense variant.
Genome position (GRCh38, 1-based): chr6:117,675,738, C>T. VCF-style: chr6-117675738-C-T. GRCh37 (hg19) VCF-style: chr6-117996901-C-T.
Other names: c.68C>T (NM_138459.3); short protein forms T23I.
Identifiers: ClinVar variation 2060450 (VCV002060450.8), dbSNP rs747953460, ClinGen allele CA3977069.

ClinVar aggregate classification (germline): Uncertain significance. Review status: criteria provided, multiple submitters, no conflicts (2 of 4 stars). 3 submissions from 3 submitters: Uncertain significance (3). Last evaluated 2025-05-18.

Conditions:
Congenital disorder of glycosylation, type Iaa. Also called: Congenital disorder of glycosylation, type 1aa. Identifiers: MedGen C4310727, MONDO:0014904, OMIM 617082.

Allele frequency attached by ClinVar (database versions not stated): gnomAD exomes 0.00003; gnomAD 0.00004.
gnomAD v4.1: 45 of 1,542,084 alleles (0.0029%); highest among the groups gnomAD compares: Middle Eastern, 0.046%; no homozygotes.

Submissions (3):

Labcorp Genetics (formerly Invitae), Labcorp
Classification: Uncertain significance for Congenital disorder of glycosylation, type Iaa. Last evaluated: 2025-05-18. Review status: criteria provided, single submitter. Criteria: Invitae Variant Classification Sherloc (09022015). Collection method: clinical testing. Allele origin: germline.
Comment: This sequence change replaces threonine, which is neutral and polar, with isoleucine, which is neutral and non-polar, at codon 23 of the NUS1 protein (p.Thr23Ile). The frequency data for this variant in the population databases is considered unreliable, as metrics indicate poor data quality at this position in the gnomAD database. This variant has not been reported in the literature in individuals affected with NUS1-related conditions. ClinVar contains an entry for this variant (Variation ID: 2060450). An algorithm developed to predict the effect of missense changes on protein structure and function (PolyPhen-2) suggests that this variant is likely to be tolerated. In summary, the available evidence is currently insufficient to determine the role of this variant in disease. Therefore, it has been classified as a Variant of Uncertain Significance.

Women's Health and Genetics/Laboratory Corporation of America, LabCorp
Classification: Uncertain significance. Last evaluated: 2024-08-23. Review status: criteria provided, single submitter. Criteria: LabCorp Variant Classification Summary - May 2015. Collection method: clinical testing. Allele origin: germline.
Comment: Variant summary: NUS1 c.68C>T (p.Thr23Ile) results in a non-conservative amino acid change in the encoded protein sequence. Four of five in-silico tools predict a benign effect of the variant on protein function. The variant allele was found at a frequency of 3.6e-05 in 139762 control chromosomes. The available data on variant occurrences in the general population are insufficient to allow any conclusion about variant significance. To our knowledge, no occurrence of c.68C>T in individuals affected with NUS1-Related Disorders and no experimental evidence demonstrating its impact on protein function have been reported. ClinVar contains an entry for this variant (Variation ID: 2060450). Based on the evidence outlined above, the variant was classified as uncertain significance.

Revvity Omics, Revvity
Classification: Uncertain significance. Last evaluated: 2021-02-08. Review status: criteria provided, single submitter. Criteria: ACMG Guidelines, 2015. Collection method: clinical testing. Allele origin: germline.